The following is an entry in ClinVar:

NM_000465.4(BARD1):c.571G>A (p.Val191Ile)

Gene: BARD1 (BRCA1 associated RING domain 1; minus strand). Cytogenetic location: 2q35.
Variant type: single nucleotide variant.
Coding change: c.571G>A on transcript NM_000465.4 (MANE Select); coding-DNA position 571, G replaced by A.
Protein change: p.Val191Ile; replaces valine 191 with isoleucine.
Molecular consequence: missense variant. On other transcripts: non-coding transcript variant (2), intron variant (3).
Genome position (GRCh38, 1-based): chr2:214,781,303, C>T on the plus strand (G>A on the coding strand, the complement: BARD1 is on the minus strand). VCF-style: chr2-214781303-C-T. GRCh37 (hg19) VCF-style: chr2-215646027-C-T.
Other names: c.514G>A, p.Val172Ile (NM_001282543.2); c.158+28109G>A (NM_001282548.2); c.215+15758G>A (NM_001282545.2); c.364+10994G>A (NM_001282549.2); short protein forms V172I, V191I.
Identifiers: ClinVar variation 1436621 (VCV001436621.11), dbSNP rs200781791, ClinGen allele CA64788990.
Genomic context (GRCh38, chr2:214,781,303, plus strand): 5'-AAGTTTTCTTTTTTTGCTTTTTTCCAGATCTTGCAGAAGCCTTTTTAGCCCTCTCAGAAA[C>T]ATCTGCAGGAGGACTTGGGGAAACAAATTCATATGAGTCTTGCTGAGCACTTGCATCTTT-3'
Protein context (NP_000456.2, residues 181-201): EFVSPSPPAD[Val191Ile]SERAKKASAR

ClinVar aggregate classification (germline): Conflicting classifications of pathogenicity. Review status: criteria provided, conflicting classifications (1 of 4 stars). 2 submissions from 2 submitters: Uncertain significance (1); Likely benign (1). Last evaluated 2025-11-25.

Conditions:
Familial cancer of breast. Also called: hereditary breast carcinoma; BREAST CANCER, FAMILIAL; Hereditary breast cancer. Identifiers: Orphanet 227535, MedGen C0346153, MONDO:0016419, OMIM 114480. Disease mechanism: loss of function.
Hereditary cancer-predisposing syndrome. Also called: Neoplastic Syndromes, Hereditary; Hereditary Cancer Syndrome; Hereditary neoplastic syndrome; Tumor predisposition. Identifiers: Orphanet 140162, MedGen C0027672, MeSH D009386, MONDO:0015356.

Allele frequency attached by ClinVar (database versions not stated): gnomAD 0.00001; 1000 Genomes Project 30x 0.00016; 1000 Genomes Project 0.00020.

Submissions (2):

Labcorp Genetics (formerly Invitae), Labcorp
Classification: Uncertain significance for Familial cancer of breast. Last evaluated: 2025-11-25. Review status: criteria provided, single submitter. Criteria: Invitae Variant Classification Sherloc (09022015). Collection method: clinical testing. Allele origin: germline.
Comment: This sequence change replaces valine, which is neutral and non-polar, with isoleucine, which is neutral and non-polar, at codon 191 of the BARD1 protein (p.Val191Ile). This variant is present in population databases (rs200781791, gnomAD 0.06%). This variant has not been reported in the literature in individuals affected with BARD1-related conditions. ClinVar contains an entry for this variant (Variation ID: 1436621). An algorithm developed to predict the effect of missense changes on protein structure and function (PolyPhen-2) suggests that this variant is likely to be tolerated. In summary, the available evidence is currently insufficient to determine the role of this variant in disease. Therefore, it has been classified as a Variant of Uncertain Significance.

Ambry Genetics
Classification: Likely benign for Hereditary cancer-predisposing syndrome. Last evaluated: 2024-02-26. Review status: criteria provided, single submitter. Criteria: Ambry Variant Classification Scheme 2023. Collection method: clinical testing. Allele origin: germline.